The following is an entry in ClinVar:

ClinVar aggregate classification (germline): Likely pathogenic. Review status: criteria provided, multiple submitters, no conflicts (2 of 4 stars). 2 submissions from 2 submitters: Likely pathogenic (2). Last evaluated 2025-07-11.

Conditions:
Familial cancer of breast. Also called: hereditary breast carcinoma; BREAST CANCER, FAMILIAL; Hereditary breast cancer. Identifiers: Orphanet 227535, MedGen C0346153, MONDO:0016419, OMIM 114480. Disease mechanism: loss of function.
Hereditary cancer-predisposing syndrome. Also called: Tumor predisposition; Hereditary Cancer Syndrome; Hereditary neoplastic syndrome; Neoplastic Syndromes, Hereditary. Identifiers: Orphanet 140162, MedGen C0027672, MeSH D009386, MONDO:0015356.

Submissions (2):

Ambry Genetics
Classification: Likely pathogenic for Hereditary cancer-predisposing syndrome. Last evaluated: 2025-07-11. Review status: criteria provided, single submitter. Criteria: Ambry Variant Classification Scheme 2023. Collection method: clinical testing. Allele origin: germline.
Comment: The c.6807+1G>A intronic variant results from a G to A substitution one nucleotide after coding exon 45 of the ATM gene. Another variant impacting the same donor site (c.6807+1G>C) has been identified in the homozygous state in an individual with features consistent with ataxia-telangiectasia (Amirifar P et al. Pediatr Allergy Immunol, 2021 Aug;32:1316-1326). This variant is considered to be rare based on population cohorts in the Genome Aggregation Database (gnomAD). This nucleotide position is highly conserved in available vertebrate species. In silico splice site analysis predicts that this alteration will weaken the native splice donor site. Alterations that disrupt the canonical splice site are expected to cause aberrant splicing, resulting in an abnormal protein or a transcript that is subject to nonsense-mediated mRNA decay. As such, this alteration is classified as likely pathogenic.

Myriad Genetics, Inc.
Classification: Likely pathogenic for Familial cancer of breast. Last evaluated: 2024-01-30. Review status: criteria provided, single submitter. Criteria: Myriad Autosomal Dominant, Autosomal Recessive and X-Linked Classification Criteria (2023). Collection method: clinical testing. Allele origin: unknown.
Comment: This variant is considered likely pathogenic. This variant occurs within a consensus splice junction and is predicted to result in abnormal mRNA splicing of either an out-of-frame exon or an in-frame exon necessary for protein stability and/or normal function.

Literature cited by the submitters: PubMed 33547824 (cited by Ambry Genetics).

NM_000051.4(ATM):c.6807+1G>A

Genes: ATM (ATM serine/threonine kinase; plus strand), C11orf65 (chromosome 11 open reading frame 65; minus strand). Cytogenetic location: 11q22.3.
Variant type: single nucleotide variant.
Coding change: c.6807+1G>A on transcript NM_000051.4 (MANE Select); the canonical splice donor site of the intron after coding-DNA position 6807, G replaced by A.
Molecular consequence: splice donor variant. On other transcripts: intron variant (2).
Genome position (GRCh38, 1-based): chr11:108,325,545, G>A. VCF-style: chr11-108325545-G-A. GRCh37 (hg19) VCF-style: chr11-108196272-G-A.
Other names: c.6807+1G>A (NM_001351834.2); c.641-16474C>T (NM_001330368.2); c.*38+9675C>T (NM_001351110.2).
Identifiers: ClinVar variation 3148108 (VCV003148108.2), dbSNP rs2136319435, ClinGen allele CA382555636.